The following is an entry in ClinVar:

NM_001252024.2(TRPM1):c.278T>C (p.Met93Thr)

Gene: TRPM1 (transient receptor potential cation channel subfamily M member 1; minus strand). Cytogenetic location: 15q13.3.
Variant type: single nucleotide variant.
Coding change: c.278T>C on transcript NM_001252024.2 (MANE Select); coding-DNA position 278, T replaced by C.
Protein change: p.Met93Thr; replaces methionine 93 with threonine.
Molecular consequence: missense variant.
Genome position (GRCh38, 1-based): chr15:31,070,032, A>G on the plus strand (T>C on the coding strand, the complement: TRPM1 is on the minus strand). VCF-style: chr15-31070032-A-G. GRCh37 (hg19) VCF-style: chr15-31362235-A-G.
Other names: c.329T>C, p.Met110Thr (NM_001252020.2); c.212T>C, p.Met71Thr (NM_001252030.2, NM_002420.6); short protein forms M110T, M93T, M71T.
Identifiers: ClinVar variation 1371307 (VCV001371307.4), dbSNP rs1368579510, ClinGen allele CA391536877.

ClinVar aggregate classification (germline): Uncertain significance (1 of 4 stars; one submission).

Allele frequency attached by ClinVar (database versions not stated): TOPMed below 0.00001; gnomAD 0.00001; gnomAD exomes 0.00001.
gnomAD v4.1: 10 of 1,614,008 alleles (0.00062%); highest among the groups gnomAD compares: Non-Finnish European, 0.00085%; no homozygotes.

Submission:

Labcorp Genetics (formerly Invitae), Labcorp
Classification: Uncertain significance. Last evaluated: 2022-07-19. Review status: criteria provided, single submitter. Criteria: Invitae Variant Classification Sherloc (09022015). Collection method: clinical testing. Allele origin: germline.
Comment: In summary, the available evidence is currently insufficient to determine the role of this variant in disease. Therefore, it has been classified as a Variant of Uncertain Significance. Algorithms developed to predict the effect of missense changes on protein structure and function (SIFT, PolyPhen-2, Align-GVGD) all suggest that this variant is likely to be tolerated. ClinVar contains an entry for this variant (Variation ID: 1371307). This variant has not been reported in the literature in individuals affected with TRPM1-related conditions. This variant is present in population databases (no rsID available, gnomAD 0.002%). This sequence change replaces methionine, which is neutral and non-polar, with threonine, which is neutral and polar, at codon 71 of the TRPM1 protein (p.Met71Thr).